The following is an entry in ClinVar:

ClinVar aggregate classification (germline): Uncertain significance (1 of 4 stars; one submission).

Allele frequency attached by ClinVar (database versions not stated): ExAC 0.00008; TOPMed 0.00008; gnomAD 0.00013; 1000 Genomes Project 30x 0.00016.
gnomAD v4.1: 162 of 1,545,938 alleles (0.01%); highest among the groups gnomAD compares: Non-Finnish European, 0.013%; no homozygotes.

Submission:

Labcorp Genetics (formerly Invitae), Labcorp
Classification: Uncertain significance. Last evaluated: 2024-02-08. Review status: criteria provided, single submitter. Criteria: Invitae Variant Classification Sherloc (09022015). Collection method: clinical testing. Allele origin: germline.
Comment: This sequence change replaces arginine, which is basic and polar, with glycine, which is neutral and non-polar, at codon 202 of the DGKZ protein (p.Arg202Gly). This variant is present in population databases (rs764401862, gnomAD 0.02%). This variant has not been reported in the literature in individuals affected with DGKZ-related conditions. An algorithm developed to predict the effect of missense changes on protein structure and function (PolyPhen-2) suggests that this variant is likely to be tolerated. In summary, the available evidence is currently insufficient to determine the role of this variant in disease. Therefore, it has been classified as a Variant of Uncertain Significance.

NM_001199267.2(DGKZ):c.162-431C>G

Gene: DGKZ (diacylglycerol kinase zeta; plus strand). Cytogenetic location: 11p11.2.
Variant type: single nucleotide variant.
Coding change: c.162-431C>G on transcript NM_001199267.2 (MANE Select); 431 bases into the intron before coding-DNA position 162, C replaced by G.
Molecular consequence: intron variant. On other transcripts: missense variant (1).
Genome position (GRCh38, 1-based): chr11:46,366,860, C>G. VCF-style: chr11-46366860-C-G. GRCh37 (hg19) VCF-style: chr11-46388410-C-G.
Other names: c.177-431C>G (NM_201533.3); c.162-431C>G (NM_001199266.2, NM_003646.4, NM_001199268.2); c.604C>G, p.Arg202Gly (NM_001105540.2); c.213-431C>G (NM_201532.3); short protein forms R202G.
Identifiers: ClinVar variation 2849265 (VCV002849265.3), dbSNP rs764401862, ClinGen allele CA5962195.
Genomic context (GRCh38, chr11:46,366,860, plus strand): 5'-GGCTACTATCGGCGCCTCAGCCAGCGGCGGCCCTCAGGCCAGCACCCTGGCCCTGGGGGC[C>G]GAAGAGCCTCAGGCACCACCGCCGGCACCATGCTGCCCACCCGTGTGCGCCCACTGTCCC-3'